The following is an entry in ClinVar:

NM_006005.3(WFS1):c.-133G>T

Genes: WFS1 (wolframin ER transmembrane glycoprotein; plus strand), LOC129992166 (ATAC-STARR-seq lymphoblastoid silent region 15229; plus strand). Cytogenetic location: 4p16.1.
Variant type: single nucleotide variant.
Coding change: c.-133G>T on transcript NM_006005.3 (MANE Select); 133 bases upstream of the start codon, G replaced by T.
Molecular consequence: 5 prime UTR variant.
Genome position (GRCh38, 1-based): chr4:6,269,887, G>T. VCF-style: chr4-6269887-G-T. GRCh37 (hg19) VCF-style: chr4-6271614-G-T.
Other names: c.-129G>T (NM_001145853.1).
Identifiers: ClinVar variation 349295 (VCV000349295.6), dbSNP rs886059521, ClinGen allele CA10621467.

ClinVar aggregate classification (germline): Conflicting classifications of pathogenicity. Review status: criteria provided, conflicting classifications (1 of 4 stars). 3 submissions from 2 submitters: Uncertain significance (2); Likely benign (1). Last evaluated 2018-01-12.

Conditions:
WFS1-Related Spectrum Disorders.
Wolfram syndrome 1 (WFS1). Identifiers: Orphanet 3463, MedGen C4551693, MONDO:0009101, OMIM 222300.
Autosomal dominant nonsyndromic hearing loss 6 (LFSNHL). Also called: DEAFNESS, AUTOSOMAL DOMINANT 6; DEAFNESS, AUTOSOMAL DOMINANT 14; DEAFNESS, AUTOSOMAL DOMINANT 38; Autosomal dominant nonsyndromic deafness 6; DIDMOAD (Diabetes Insipidus, Diabetes Mellitus, Optic Atrophy, and Deafness). Identifiers: Orphanet 90635, MedGen C1833021, MONDO:0010963, OMIM 600965.

Allele frequency attached by ClinVar (database versions not stated): gnomAD 0.00001; TOPMed 0.00001.

Submissions (3):

Illumina Laboratory Services, Illumina
Classification: Uncertain significance for Autosomal dominant nonsyndromic hearing loss 6. Last evaluated: 2018-01-12. Review status: criteria provided, single submitter. Criteria: ICSL Variant Classification Criteria 13 December 2019. Collection method: clinical testing. Allele origin: germline.

Illumina Laboratory Services, Illumina
Classification: Uncertain significance for WFS1-Related Spectrum Disorders. Last evaluated: 2018-01-12. Review status: criteria provided, single submitter. Criteria: ICSL Variant Classification Criteria 13 December 2019. Collection method: clinical testing. Allele origin: germline.

Clinical Genomics, Uppaluri K&H Personalized Medicine Clinic
Classification: Likely benign for Wolfram syndrome 1. Review status: criteria provided, single submitter. Criteria: K & H Uppaluri Personalized Medicine Clinic Variant Classification & Assertion Criteria_Updated V.1. Collection method: research. Allele origin: unknown. Inheritance: Autosomal recessive inheritance.
Comment: Potent mutations in WFS1 gene are associated with Wolfram's syndrome, an autosomal recessive condition, which cause diabetes mellitus, diabetes insipidus, deafness and optic atrophy. However no sufficient evidence is found to ascertain the role of this particular variant rs886059521 yet.

Literature cited by the submitters: PubMed 20738327 (cited by Clinical Genomics, Uppaluri K&H Personalized Medicine Clinic); PubMed 33879153 (cited by Clinical Genomics, Uppaluri K&H Personalized Medicine Clinic); PubMed 12955714 (cited by Clinical Genomics, Uppaluri K&H Personalized Medicine Clinic); PubMed 18060660 (cited by Clinical Genomics, Uppaluri K&H Personalized Medicine Clinic); PubMed 20301750 (cited by Clinical Genomics, Uppaluri K&H Personalized Medicine Clinic); PubMed 17603484 (cited by Clinical Genomics, Uppaluri K&H Personalized Medicine Clinic).